The following is an entry in ClinVar:

NM_014694.4(ADAMTSL2):c.309+208T>C

Gene: ADAMTSL2 (ADAMTS like 2; plus strand). Cytogenetic location: 9q34.2.
Variant type: single nucleotide variant.
Coding change: c.309+208T>C on transcript NM_014694.4 (MANE Select); 208 bases into the intron after coding-DNA position 309, T replaced by C.
Molecular consequence: intron variant.
Genome position (GRCh38, 1-based): chr9:133,538,632, T>C. VCF-style: chr9-133538632-T-C. GRCh37 (hg19) VCF-style: chr9-136403754-T-C.
Other names: c.309+208T>C (NM_001145320.2).
Identifiers: ClinVar variation 680462 (VCV000680462.1), dbSNP rs1858838, ClinGen allele CA12974247.

ClinVar aggregate classification (germline): Benign (1 of 4 stars; one submission).

Allele frequency attached by ClinVar (database versions not stated): 1000 Genomes Project 30x 0.58214; 1000 Genomes Project 0.58087; gnomAD 0.62801; TOPMed 0.57981.
gnomAD v4.1: 92,014 of 151,968 alleles (61%); highest among the groups gnomAD compares: South Asian, 63%; 28,338 homozygotes.

Submission:

GeneDx
Classification: Benign. Last evaluated: 2018-06-19. Review status: criteria provided, single submitter. Criteria: GeneDx Variant Classification (06012015). Collection method: clinical testing. Allele origin: germline. Affected: yes.
Comment: This variant is considered likely benign or benign based on one or more of the following criteria: it is a conservative change, it occurs at a poorly conserved position in the protein, it is predicted to be benign by multiple in silico algorithms, and/or has population frequency not consistent with disease.